The following is an entry in ClinVar:

NM_003355.3(UCP2):c.212G>A (p.Arg71His)

Gene: UCP2 (uncoupling protein 2; minus strand). Cytogenetic location: 11q13.4.
Variant type: single nucleotide variant.
Coding change: c.212G>A on transcript NM_003355.3 (MANE Select); coding-DNA position 212, G replaced by A.
Protein change: p.Arg71His; replaces arginine 71 with histidine.
Molecular consequence: missense variant.
Genome position (GRCh38, 1-based): chr11:73,978,011, C>T on the plus strand (G>A on the coding strand, the complement: UCP2 is on the minus strand). VCF-style: chr11-73978011-C-T. GRCh37 (hg19) VCF-style: chr11-73689056-C-T.
Other names: c.212G>A, p.Arg71His (NM_001381943.1, NM_001381944.1, NM_001381945.1 and 4 more transcripts); short protein forms R71H.
Identifiers: ClinVar variation 2418262 (VCV002418262.6), dbSNP rs182694614, ClinGen allele CA6181213.

ClinVar aggregate classification (germline): Uncertain significance (1 of 4 stars; one submission).

Allele frequency attached by ClinVar (database versions not stated): TOPMed 0.00004; ExAC 0.00005; gnomAD 0.00005; 1000 Genomes Project 30x 0.00031; 1000 Genomes Project 0.00040.
gnomAD v4.1: 44 of 1,614,224 alleles (0.0027%); highest among the groups gnomAD compares: African/African-American, 0.008%; no homozygotes.

Submission:

Labcorp Genetics (formerly Invitae), Labcorp
Classification: Uncertain significance. Last evaluated: 2023-08-04. Review status: criteria provided, single submitter. Criteria: Invitae Variant Classification Sherloc (09022015). Collection method: clinical testing. Allele origin: germline.
Comment: ClinVar contains an entry for this variant (Variation ID: 2418262). This sequence change replaces arginine, which is basic and polar, with histidine, which is basic and polar, at codon 71 of the UCP2 protein (p.Arg71His). This variant is present in population databases (rs182694614, gnomAD 0.01%). This variant has not been reported in the literature in individuals affected with UCP2-related conditions. An algorithm developed to predict the effect of missense changes on protein structure and function (PolyPhen-2) suggests that this variant is likely to be tolerated. Algorithms developed to predict the effect of sequence changes on RNA splicing suggest that this variant may disrupt the consensus splice site. In summary, the available evidence is currently insufficient to determine the role of this variant in disease. Therefore, it has been classified as a Variant of Uncertain Significance.